The following is an entry in ClinVar:

NM_001365951.3(KIF1B):c.5282T>C (p.Met1761Thr)

Gene: KIF1B (kinesin family member 1B; plus strand). Cytogenetic location: 1p36.22.
Variant type: single nucleotide variant.
Coding change: c.5282T>C on transcript NM_001365951.3 (MANE Select); coding-DNA position 5282, T replaced by C.
Protein change: p.Met1761Thr; replaces methionine 1761 with threonine.
Molecular consequence: missense variant.
Genome position (GRCh38, 1-based): chr1:10,375,039, T>C. VCF-style: chr1-10375039-T-C. GRCh37 (hg19) VCF-style: chr1-10435097-T-C.
Other names: c.5282T>C, p.Met1761Thr (NM_001365952.1); c.5144T>C, p.Met1715Thr (NM_015074.3); short protein forms M1715T, M1761T.
Identifiers: ClinVar variation 1745623 (VCV001745623.3), dbSNP rs2521983811, ClinGen allele CA338330978.

ClinVar aggregate classification (germline): Uncertain significance (1 of 4 stars; one submission).

Submission:

Ambry Genetics
Classification: Uncertain significance. Last evaluated: 2024-11-25. Review status: criteria provided, single submitter. Criteria: Ambry Variant Classification Scheme 2023. Collection method: clinical testing. Allele origin: germline.
Comment: The p.M1715T variant (also known as c.5144T>C), located in coding exon 44 of the KIF1B gene, results from a T to C substitution at nucleotide position 5144. The methionine at codon 1715 is replaced by threonine, an amino acid with similar properties. This amino acid position is conserved. In addition, this alteration is predicted to be deleterious by in silico analysis. The evidence for this gene-disease relationship is limited; therefore, the clinical significance of this alteration is unclear.